The following is an entry in ClinVar:

NM_001042492.3(NF1):c.4431-17A>T

Gene: NF1 (neurofibromin 1; plus strand). Cytogenetic location: 17q11.2.
Variant type: single nucleotide variant.
Coding change: c.4431-17A>T on transcript NM_001042492.3 (MANE Select); 17 bases into the intron before coding-DNA position 4431, A replaced by T.
Molecular consequence: intron variant.
Genome position (GRCh38, 1-based): chr17:31,260,352, A>T. VCF-style: chr17-31260352-A-T. GRCh37 (hg19) VCF-style: chr17-29587370-A-T.
Other names: c.4368-17A>T (NM_000267.4).
Identifiers: ClinVar variation 1608464 (VCV001608464.11), dbSNP rs754657048, ClinGen allele CA8486419.

ClinVar aggregate classification (germline): Likely benign. Review status: criteria provided, multiple submitters, no conflicts (2 of 4 stars). 4 submissions from 4 submitters: Likely benign (4). Last evaluated 2026-05-13.

Conditions:
Neurofibromatosis, type 1 (NF1). Also called: Neurofibromatosis, type I; Peripheral type neurofibromatosis; VON RECKLINGHAUSEN DISEASE; NEUROFIBROMATOSIS, TYPE I, SOMATIC. Identifiers: Orphanet 636, MedGen C0027831, MONDO:0018975, OMIM 162200. Disease mechanism: loss of function.

Allele frequency attached by ClinVar (database versions not stated): ExAC 0.00001; gnomAD 0.00001; gnomAD exomes 0.00001; TOPMed 0.00002.
gnomAD v4.1: 27 of 1,612,888 alleles (0.0017%); highest among the groups gnomAD compares: South Asian, 0.0022%; no homozygotes.

Submissions (4):

Myriad Genetics, Inc.
Classification: Likely benign for Neurofibromatosis, type 1. Last evaluated: 2026-05-13. Review status: criteria provided, single submitter. Criteria: Myriad Autosomal Dominant, Autosomal Recessive and X-Linked Classification Criteria (2023). Collection method: clinical testing. Allele origin: unknown.
Comment: This variant is considered likely benign. This variant is intronic and is not expected to impact mRNA splicing.

Labcorp Genetics (formerly Invitae), Labcorp
Classification: Likely benign for Neurofibromatosis, type 1. Last evaluated: 2026-01-28. Review status: criteria provided, single submitter. Criteria: Invitae Variant Classification Sherloc (09022015). Collection method: clinical testing. Allele origin: germline.

Blueprint Genetics
Classification: Likely benign. Last evaluated: 2024-06-18. Review status: criteria provided, single submitter. Criteria: ACMG Guidelines, 2015. Collection method: clinical testing. Allele origin: germline.

Women's Health and Genetics/Laboratory Corporation of America, LabCorp
Classification: Likely benign. Last evaluated: 2023-10-13. Review status: criteria provided, single submitter. Criteria: LabCorp Variant Classification Summary - May 2015. Collection method: clinical testing. Allele origin: germline.
Comment: Variant summary: NF1 c.4368-17A>T alters a nucleotide located at a position not widely known to affect splicing. Consensus agreement among computation tools predict no significant impact on normal splicing. However, these predictions have yet to be confirmed by functional studies. The variant allele was found at a frequency of 1.2e-05 in 250888 control chromosomes. The available data on variant occurrences in the general population are insufficient to allow any conclusion about variant significance. To our knowledge, no occurrence of c.4368-17A>T in individuals affected with Neurofibromatosis Type 1 and no experimental evidence demonstrating its impact on protein function have been reported. One submitter has cited clinical-significance assessments for this variant to ClinVar after 2014 and has classified the variant as likely benign. Based on the evidence outlined above, the variant was classified as likely benign.

Literature cited by the submitters: PubMed 10678181 (cited by Women's Health and Genetics/Laboratory Corporation of America, LabCorp); PubMed 23460398 (cited by Women's Health and Genetics/Laboratory Corporation of America, LabCorp); PubMed 29872168 (cited by Women's Health and Genetics/Laboratory Corporation of America, LabCorp); PubMed 27069254 (cited by Women's Health and Genetics/Laboratory Corporation of America, LabCorp).